The following is an entry in ClinVar:

ClinVar aggregate classification (germline): Likely pathogenic (1 of 4 stars; one submission).

Submission:

Labcorp Genetics (formerly Invitae), Labcorp
Classification: Likely pathogenic. Last evaluated: 2023-02-03. Review status: criteria provided, single submitter. Criteria: Invitae Variant Classification Sherloc (09022015). Collection method: clinical testing. Allele origin: unknown.
Comment: This variant results in a copy number gain of the genomic region encompassing exon(s) 6 of the TBCE gene. While the exact position of this variant cannot be determined from the data, sub-genic copy number gains are generally in tandem (PMID: 25640679). This variant is predicted to be out-of-frame, and may result in an absent or disrupted protein product. Loss-of-function variants in TBCE are known to be pathogenic (PMID: 27666369, 34134906, 34356170). This variant has not been reported in the literature in individuals affected with TBCE-related conditions. In summary, the currently available evidence indicates that the variant is pathogenic, but additional data are needed to prove that conclusively. Therefore, this variant has been classified as Likely Pathogenic.

Literature cited by the submitters: PubMed 25640679; PubMed 27666369; PubMed 34134906; PubMed 34356170.

NC_000001.10:g.(?_235590435)_(235590574_?)dup

Gene: TBCE (tubulin folding cofactor E; plus strand). Cytogenetic location: 1q42.3.
Variant type: Duplication.
Identifiers: ClinVar variation 3247959 (VCV003247959.1).